The following is an entry in ClinVar:

ClinVar aggregate classification (germline): Likely benign (1 of 4 stars; one submission).

Conditions:
BDP1-related disorder. Also called: BDP1-related condition.

Submission:

PreventionGenetics, part of Exact Sciences
Classification: Likely benign for BDP1-related condition. Last evaluated: 2024-10-03. Review status: criteria provided, single submitter. Criteria: ACMG Guidelines, 2015. Collection method: clinical testing. Allele origin: germline.
Comment: This variant is classified as likely benign based on ACMG/AMP sequence variant interpretation guidelines (Richards et al. 2015 PMID: 25741868, with internal and published modifications).

NM_018429.3(BDP1):c.2373-4A>C

Gene: BDP1 (BDP1 general transcription factor IIIB subunit; plus strand). Cytogenetic location: 5q13.2.
Variant type: single nucleotide variant.
Coding change: c.2373-4A>C on transcript NM_018429.3 (MANE Select); 4 bases into the intron before coding-DNA position 2373, A replaced by C.
Molecular consequence: intron variant.
Genome position (GRCh38, 1-based): chr5:71,509,461, A>C. VCF-style: chr5-71509461-A-C. GRCh37 (hg19) VCF-style: chr5-70805288-A-C.
Identifiers: ClinVar variation 4982006 (VCV004982006.1).